The following is an entry in ClinVar:

ClinVar aggregate classification (germline): Uncertain significance (1 of 4 stars; one submission).

Conditions:
POR-related disorder. Also called: POR-related condition.

gnomAD v4.1: 2 of 1,612,026 alleles (0.00012%); highest among the groups gnomAD compares: Admixed American, 0.0033%; no homozygotes.

Submission:

PreventionGenetics, part of Exact Sciences
Classification: Uncertain significance for POR-related condition. Last evaluated: 2024-12-15. Review status: criteria provided, single submitter. Criteria: ACMG Guidelines, 2015. Collection method: clinical testing. Allele origin: germline.
Comment: The POR c.160G>T variant is predicted to result in the amino acid substitution p.Val54Phe. To our knowledge, this variant has not been reported in the literature. This variant is reported in 0.0059% of alleles in individuals of Latino descent in gnomAD. At this time, the clinical significance of this variant is uncertain due to the absence of conclusive functional and genetic evidence.

NM_001395413.1(POR):c.151G>T (p.Val51Phe)

Gene: POR (cytochrome p450 oxidoreductase; plus strand). Cytogenetic location: 7q11.23.
Variant type: single nucleotide variant.
Coding change: c.151G>T on transcript NM_001395413.1 (MANE Select); coding-DNA position 151, G replaced by T.
Protein change: p.Val51Phe; replaces valine 51 with phenylalanine.
Molecular consequence: missense variant.
Genome position (GRCh38, 1-based): chr7:75,954,152, G>T. VCF-style: chr7-75954152-G-T. GRCh37 (hg19) VCF-style: chr7-75583470-G-T.
Other names: c.151G>T, p.Val51Phe (NM_001367562.3, NM_001382655.3, NM_001382657.2 and 3 more transcripts); c.160G>T (NM_000941.2); short protein forms V51F.
Identifiers: ClinVar variation 4988300 (VCV004988300.1).